The following is an entry in ClinVar:

ClinVar aggregate classification (germline): Likely benign. Review status: criteria provided, multiple submitters, no conflicts (2 of 4 stars). 2 submissions from 2 submitters: Likely benign (2). Last evaluated 2025-07-31.

Conditions:
RECQL4-related disorder. Also called: RECQL4-related condition; RECQL4-related disorders.
Baller-Gerold syndrome (BGS). Also called: CRANIOSYNOSTOSIS WITH RADIAL DEFECTS. Identifiers: Orphanet 1225, MedGen C0265308, MONDO:0009039, OMIM 218600.

Allele frequency attached by ClinVar (database versions not stated): gnomAD exomes below 0.00001; ExAC 0.00002.
gnomAD v4.1: 1 of 1,593,184 alleles (0.000063%); highest among the groups gnomAD compares: Admixed American, 0.0017%; no homozygotes.

Submissions (2):

PreventionGenetics, part of Exact Sciences
Classification: Likely benign for RECQL4-related condition. Last evaluated: 2025-07-31. Review status: criteria provided, single submitter. Criteria: ACMG Guidelines, 2015. Collection method: clinical testing. Allele origin: germline.
Comment: This variant is classified as likely benign based on ACMG/AMP sequence variant interpretation guidelines (Richards et al. 2015 PMID: 25741868, with internal and published modifications).

Labcorp Genetics (formerly Invitae), Labcorp
Classification: Likely benign for Baller-Gerold syndrome. Last evaluated: 2021-06-02. Review status: criteria provided, single submitter. Criteria: Invitae Variant Classification Sherloc (09022015). Collection method: clinical testing. Allele origin: germline.

NM_004260.4(RECQL4):c.177C>G (p.Leu59=)

Genes: RECQL4 (RecQ like helicase 4; minus strand), LOC130001411 (ATAC-STARR-seq lymphoblastoid silent region 19699; plus strand). Cytogenetic location: 8q24.3.
Variant type: single nucleotide variant.
Coding change: c.177C>G on transcript NM_004260.4 (MANE Select); coding-DNA position 177, C replaced by G.
Protein change: p.Leu59=; no amino-acid change (leucine 59 retained).
Molecular consequence: synonymous variant.
Genome position (GRCh38, 1-based): chr8:144,517,450, G>C on the plus strand (C>G on the coding strand, the complement: RECQL4 is on the minus strand). VCF-style: chr8-144517450-G-C. GRCh37 (hg19) VCF-style: chr8-145742834-G-C.
Other names: c.177C>G (NM_004260.3).
Identifiers: ClinVar variation 1586763 (VCV001586763.9), dbSNP rs764832986, ClinGen allele CA4949466.